The following is an entry in ClinVar:

NM_000077.5(CDKN2A):c.243C>G (p.Pro81=)

Gene: CDKN2A (cyclin dependent kinase inhibitor 2A; minus strand). Cytogenetic location: 9p21.3.
Variant type: single nucleotide variant.
Coding change: c.243C>G on transcript NM_000077.5; coding-DNA position 243, C replaced by G.
Protein change: p.Pro81=; no amino-acid change (proline 81 retained).
Molecular consequence: synonymous variant (on NM_000077.6). On other transcripts: missense variant (1), 3 prime UTR variant (1).
Genome position (GRCh38, 1-based): chr9:21,971,116, G>C on the plus strand (C>G on the coding strand, the complement: CDKN2A is on the minus strand). VCF-style: chr9-21971116-G-C. GRCh37 (hg19) VCF-style: chr9-21971115-G-C.
Other names: c.243C>G, p.Pro81= (NM_000077.6, NM_001195132.2); c.90C>G, p.Pro30= (NM_001363763.2); c.286C>G, p.Arg96Gly (NM_058195.4); c.*166C>G (NM_058197.5); short protein forms R96G.
Identifiers: ClinVar variation 414093 (VCV000414093.15), dbSNP rs1060504185, ClinGen allele CA16612709.

ClinVar aggregate classification (germline): Conflicting classifications of pathogenicity. Review status: criteria provided, conflicting classifications (1 of 4 stars). 5 submissions from 5 submitters: Uncertain significance (1); Likely benign (4). Last evaluated 2025-11-03.

Conditions:
Familial melanoma. Also called: Hereditary melanoma; Hereditary cutaneous melanoma. Identifiers: Orphanet 618, MedGen C1512419, MONDO:0018961.
Hereditary cancer-predisposing syndrome. Also called: Neoplastic Syndromes, Hereditary; Tumor predisposition; Hereditary Cancer Syndrome; Hereditary neoplastic syndrome. Identifiers: Orphanet 140162, MedGen C0027672, MeSH D009386, MONDO:0015356.

Allele frequency attached by ClinVar (database versions not stated): TOPMed below 0.00001.

Submissions (5):

Labcorp Genetics (formerly Invitae), Labcorp
Classification: Likely benign for Familial melanoma. Last evaluated: 2025-11-03. Review status: criteria provided, single submitter. Criteria: Invitae Variant Classification Sherloc (09022015). Collection method: clinical testing. Allele origin: germline.

Blueprint Genetics
Classification: Likely benign. Last evaluated: 2024-05-22. Review status: criteria provided, single submitter. Criteria: ACMG Guidelines, 2015. Collection method: clinical testing. Allele origin: germline.

GeneDx
Classification: Uncertain significance. Last evaluated: 2019-11-05. Review status: criteria provided, single submitter. Criteria: GeneDx Variant Classification Process June 2021. Collection method: clinical testing. Allele origin: germline. Affected: yes.
Comment: Has not been previously published as pathogenic or benign to our knowledge; This variant in the p14-ARF isoform also results in a likely benign variant in the p16 protein, p.Pro81=; In silico analysis, which includes protein predictors and evolutionary conservation, supports that this variant does not alter protein structure/function; Not observed in large population cohorts (Lek 2016); This variant is associated with the following publications: (PMID: 25149524, 14732922, 29451897)

Color Diagnostics, LLC DBA Color Health
Classification: Likely benign for Hereditary cancer-predisposing syndrome. Last evaluated: 2017-10-02. Review status: criteria provided, single submitter. Criteria: ACMG Guidelines, 2015. Collection method: clinical testing. Allele origin: germline.

Ambry Genetics
Classification: Likely benign for Hereditary cancer-predisposing syndrome. Last evaluated: 2016-08-08. Review status: criteria provided, single submitter. Criteria: Ambry Variant Classification Scheme 2023. Collection method: clinical testing. Allele origin: germline.